The following is an entry in ClinVar:

NM_001035.3(RYR2):c.12167A>G (p.Lys4056Arg)

Gene: RYR2 (ryanodine receptor 2; plus strand). Cytogenetic location: 1q43.
Variant type: single nucleotide variant.
Coding change: c.12167A>G on transcript NM_001035.3 (MANE Select); coding-DNA position 12167, A replaced by G.
Protein change: p.Lys4056Arg; replaces lysine 4056 with arginine.
Molecular consequence: missense variant.
Genome position (GRCh38, 1-based): chr1:237,783,879, A>G. VCF-style: chr1-237783879-A-G. GRCh37 (hg19) VCF-style: chr1-237947179-A-G.
Other names: short protein forms K4056R.
Identifiers: ClinVar variation 1035509 (VCV001035509.6), dbSNP rs762743022, ClinGen allele CA085137.

ClinVar aggregate classification (germline): Uncertain significance (1 of 4 stars; one submission).

Conditions:
Catecholaminergic polymorphic ventricular tachycardia 1. Also called: RYR2-Related Catecholaminergic Polymorphic Ventricular Tachycardia; VENTRICULAR TACHYCARDIA, STRESS-INDUCED POLYMORPHIC 1; VENTRICULAR TACHYCARDIA, CATECHOLAMINERGIC POLYMORPHIC, 1, WITH OR WITHOUT ATRIAL DYSFUNCTION AND/OR DILATED CARDIOMYOPATHY. Identifiers: Orphanet 3286, MedGen C1631597, MONDO:0011484, OMIM 604772.

Allele frequency attached by ClinVar (database versions not stated): gnomAD exomes below 0.00001; TOPMed below 0.00001; ExAC 0.00001; gnomAD 0.00001.
gnomAD v4.1: 1 of 1,613,694 alleles (0.000062%); highest among the groups gnomAD compares: African/African-American, 0.0013%; no homozygotes.

Submission:

Labcorp Genetics (formerly Invitae), Labcorp
Classification: Uncertain significance for Catecholaminergic polymorphic ventricular tachycardia 1. Last evaluated: 2023-08-04. Review status: criteria provided, single submitter. Criteria: Invitae Variant Classification Sherloc (09022015). Collection method: clinical testing. Allele origin: germline.
Comment: ClinVar contains an entry for this variant (Variation ID: 1035509). This sequence change replaces lysine, which is basic and polar, with arginine, which is basic and polar, at codon 4056 of the RYR2 protein (p.Lys4056Arg). This variant is present in population databases (rs762743022, gnomAD 0.007%). This variant has not been reported in the literature in individuals affected with RYR2-related conditions. Advanced modeling of protein sequence and biophysical properties (such as structural, functional, and spatial information, amino acid conservation, physicochemical variation, residue mobility, and thermodynamic stability) has been performed at Invitae for this missense variant, however the output from this modeling did not meet the statistical confidence thresholds required to predict the impact of this variant on RYR2 protein function. In summary, the available evidence is currently insufficient to determine the role of this variant in disease. Therefore, it has been classified as a Variant of Uncertain Significance.